The following is an entry in ClinVar:

NM_020433.5(JPH2):c.695G>A (p.Arg232His)

Gene: JPH2 (junctophilin 2; minus strand). Cytogenetic location: 20q13.12.
Variant type: single nucleotide variant.
Coding change: c.695G>A on transcript NM_020433.5 (MANE Select); coding-DNA position 695, G replaced by A.
Protein change: p.Arg232His; replaces arginine 232 with histidine.
Molecular consequence: missense variant.
Genome position (GRCh38, 1-based): chr20:44,160,092, C>T on the plus strand (G>A on the coding strand, the complement: JPH2 is on the minus strand). VCF-style: chr20-44160092-C-T. GRCh37 (hg19) VCF-style: chr20-42788732-C-T.
Other names: short protein forms R232H.
Identifiers: ClinVar variation 4724634 (VCV004724634.1).

ClinVar aggregate classification (germline): Uncertain significance (1 of 4 stars; one submission).

Conditions:
Hypertrophic cardiomyopathy. Also called: HYPERTROPHIC MYOCARDIOPATHY. Identifiers: Orphanet 217569, MedGen C0007194, MeSH D002312, MONDO:0005045, HP:0001639.

Submission:

Labcorp Genetics (formerly Invitae), Labcorp
Classification: Uncertain significance for Hypertrophic cardiomyopathy. Last evaluated: 2025-08-02. Review status: criteria provided, single submitter. Criteria: Invitae Variant Classification Sherloc (09022015). Collection method: clinical testing. Allele origin: germline.
Comment: This sequence change replaces arginine, which is basic and polar, with histidine, which is basic and polar, at codon 232 of the JPH2 protein (p.Arg232His). This variant is not present in population databases (gnomAD no frequency). This variant has not been reported in the literature in individuals affected with JPH2-related conditions. An algorithm developed to predict the effect of missense changes on protein structure and function (PolyPhen-2) suggests that this variant is likely to be disruptive. In summary, the available evidence is currently insufficient to determine the role of this variant in disease. Therefore, it has been classified as a Variant of Uncertain Significance.